The following is an entry in ClinVar:

NM_001276270.2(MBD4):c.494C>A (p.Ser165Tyr)

Gene: MBD4 (methyl-CpG binding domain 4, DNA glycosylase; minus strand). Cytogenetic location: 3q21.3.
Variant type: single nucleotide variant.
Coding change: c.494C>A on transcript NM_001276270.2 (MANE Select); coding-DNA position 494, C replaced by A.
Protein change: p.Ser165Tyr; replaces serine 165 with tyrosine.
Molecular consequence: missense variant. On other transcripts: intron variant (1).
Genome position (GRCh38, 1-based): chr3:129,437,150, G>T on the plus strand (C>A on the coding strand, the complement: MBD4 is on the minus strand). VCF-style: chr3-129437150-G-T. GRCh37 (hg19) VCF-style: chr3-129155993-G-T.
Other names: c.494C>A, p.Ser165Tyr (NM_001276271.2, NM_001276272.2, NM_003925.3); c.247+658C>A (NM_001276273.2); short protein forms S165Y.
Identifiers: ClinVar variation 3870954 (VCV003870954.1).

ClinVar aggregate classification (germline): Uncertain significance (1 of 4 stars; one submission).

Conditions:
Inborn genetic diseases. Identifiers: MedGen C0950123, MeSH D030342.

Submission:

Ambry Genetics
Classification: Uncertain significance for Inborn genetic diseases. Last evaluated: 2025-03-12. Review status: criteria provided, single submitter. Criteria: Ambry Variant Classification Scheme 2023. Collection method: clinical testing. Allele origin: germline.
Comment: The p.S165Y variant (also known as c.494C>A), located in coding exon 3 of the MBD4 gene, results from a C to A substitution at nucleotide position 494. The serine at codon 165 is replaced by tyrosine, an amino acid with dissimilar properties. This amino acid position is conserved. In addition, the in silico prediction for this alteration is inconclusive. Based on the available evidence, the clinical significance of this variant remains unclear.